The following is an entry in ClinVar:

NM_002458.3(MUC5B):c.8139A>T (p.Thr2713=)

Genes: MUC5B-AS1 (MUC5B antisense RNA 1; minus strand), MUC5B (mucin 5B, oligomeric mucus/gel-forming; plus strand). Cytogenetic location: 11p15.5.
Variant type: single nucleotide variant.
Coding change: c.8139A>T on transcript NM_002458.3 (MANE Select); coding-DNA position 8139, A replaced by T.
Protein change: p.Thr2713=; no amino-acid change (threonine 2713 retained).
Molecular consequence: synonymous variant.
Genome position (GRCh38, 1-based): chr11:1,245,019, A>T. VCF-style: chr11-1245019-A-T. GRCh37 (hg19) VCF-style: chr11-1266249-A-T.
Identifiers: ClinVar variation 2641237 (VCV002641237.24), dbSNP rs781719520, ClinGen allele CA5806558.
Genomic context (GRCh38, chr11:1,245,019, plus strand): 5'-GGCCACTACGATCACGGCCACCGGCTCCACCACCAACCCCTCCTCAACTCCAGGGACAAC[A>T]CCTATCCCCCCAGTGCTGACCACCACCGCCACCACACCTGCAGCCACCAGCAGCACAGTG-3'
Protein context (NP_002449.2, residues 2703-2723): TTNPSSTPGT[Thr2713=]PIPPVLTTTA

ClinVar aggregate classification (germline): Likely benign (1 of 4 stars; one submission).

Allele frequency attached by ClinVar (database versions not stated): ExAC 0.00154; 1000 Genomes Project 30x 0.00344.

Submission:

CeGaT Center for Human Genetics Tuebingen
Classification: Likely benign. Last evaluated: 2026-01-01. Review status: criteria provided, single submitter. Criteria: CeGaT Center For Human Genetics Tuebingen Variant Classification Criteria Version 2. Collection method: clinical testing. Allele origin: germline. Affected: yes. Observed: 4 variant alleles.
Comment: MUC5B: BP4, BP7